The following is an entry in ClinVar:

NM_033305.3(VPS13A):c.172A>C (p.Lys58Gln)

Gene: VPS13A (vacuolar protein sorting 13 homolog A; plus strand). Cytogenetic location: 9q21.2.
Variant type: single nucleotide variant.
Coding change: c.172A>C on transcript NM_033305.3 (MANE Select); coding-DNA position 172, A replaced by C.
Protein change: p.Lys58Gln; replaces lysine 58 with glutamine.
Molecular consequence: missense variant.
Genome position (GRCh38, 1-based): chr9:77,201,392, A>C. VCF-style: chr9-77201392-A-C. GRCh37 (hg19) VCF-style: chr9-79816308-A-C.
Other names: c.172A>C, p.Lys58Gln (NM_001018037.2, NM_001018038.3, NM_015186.4); short protein forms K58Q.
Identifiers: ClinVar variation 3252424 (VCV003252424.2), dbSNP rs201490407.
Genomic context (GRCh38, chr9:77,201,392, plus strand): 5'-AATGTTTTGTGTATATATAAATTTTTTCTGTAGAGTCAACTGGATGTACCATTTAAAGTT[A>C]AAGTTGGTCACATAGGTAAGCCATATTCATTATTGGGATATCCTCCTTCCTGGACATGCA-3'
Protein context (NP_150648.2, residues 48-68): LSQLDVPFKV[Lys58Gln]VGHIGNLKLI

ClinVar aggregate classification (germline): Uncertain significance. Review status: criteria provided, multiple submitters, no conflicts (2 of 4 stars). 2 submissions from 2 submitters: Uncertain significance (2). Last evaluated 2023-12-07.

Allele frequency attached by ClinVar (database versions not stated): gnomAD exomes 0.00001; ExAC 0.00002; TOPMed 0.00002.
gnomAD v4.1: 12 of 1,610,456 alleles (0.00075%); highest among the groups gnomAD compares: Middle Eastern, 0.017%; 1 homozygote.

Submissions (2):

GeneDx
Classification: Uncertain significance. Last evaluated: 2023-12-07. Review status: criteria provided, single submitter. Criteria: GeneDx Variant Classification Process June 2021. Collection method: clinical testing. Allele origin: germline. Affected: yes.
Comment: Not observed at significant frequency in large population cohorts (gnomAD); In silico analysis supports that this missense variant does not alter protein structure/function; Has not been previously published as pathogenic or benign to our knowledge

Blueprint Genetics
Classification: Uncertain significance. Last evaluated: 2021-02-16. Review status: criteria provided, single submitter. Criteria: ACMG Guidelines, 2015. Collection method: clinical testing. Allele origin: germline.